The following is an entry in ClinVar:

NM_001363711.2(DUOX2):c.2102G>A (p.Arg701Gln)

Gene: DUOX2 (dual oxidase 2; minus strand). Cytogenetic location: 15q21.1.
Variant type: single nucleotide variant.
Coding change: c.2102G>A on transcript NM_001363711.2 (MANE Select); coding-DNA position 2102, G replaced by A.
Protein change: p.Arg701Gln; replaces arginine 701 with glutamine.
Molecular consequence: missense variant.
Genome position (GRCh38, 1-based): chr15:45,106,171, C>T on the plus strand (G>A on the coding strand, the complement: DUOX2 is on the minus strand). VCF-style: chr15-45106171-C-T. GRCh37 (hg19) VCF-style: chr15-45398369-C-T.
Other names: p.Arg701Gln; c.2102G>A, p.Arg701Gln (NM_014080.5); short protein forms R701Q.
Identifiers: ClinVar variation 260318 (VCV000260318.19), dbSNP rs113400262, ClinGen allele CA7538386.

ClinVar aggregate classification (germline): Benign/Likely benign. Review status: criteria provided, multiple submitters, no conflicts (2 of 4 stars). 8 submissions from 8 submitters: Benign (4); Likely benign (4). Last evaluated 2026-05-11.

Conditions:
Thyroid dyshormonogenesis 6 (TDH6). Also called: THYROID HORMONOGENESIS, GENETIC DEFECT IN, 6; Genetic transient congenital hypothyroidism; HYPOTHYROIDISM, CONGENITAL, DUE TO DYSHORMONOGENESIS, 6. Identifiers: Orphanet 226316, Orphanet 95716, MedGen C1846632, MONDO:0011792, OMIM 607200.

Allele frequency attached by ClinVar (database versions not stated): 1000 Genomes Project 0.03315; 1000 Genomes Project 30x 0.03373; TOPMed 0.04835; gnomAD 0.04921 and 0.04972; ESP Exome Variant Server 0.04965.

Submissions (8):

Women's Health and Genetics/Laboratory Corporation of America, LabCorp
Classification: Likely benign. Last evaluated: 2026-05-11. Review status: criteria provided, single submitter. Criteria: LabCorp Variant Classification Summary - May 2015. Collection method: clinical testing. Allele origin: germline.

Labcorp Genetics (formerly Invitae), Labcorp
Classification: Benign. Last evaluated: 2026-02-03. Review status: criteria provided, single submitter. Criteria: Invitae Variant Classification Sherloc (09022015). Collection method: clinical testing. Allele origin: germline.

Blueprint Genetics
Classification: Likely benign. Last evaluated: 2024-11-27. Review status: criteria provided, single submitter. Criteria: ACMG Guidelines, 2015. Collection method: clinical testing. Allele origin: germline.

Mayo Clinic Laboratories, Mayo Clinic
Classification: Benign. Last evaluated: 2024-02-08. Review status: criteria provided, single submitter. Criteria: ACMG Guidelines, 2015. Collection method: clinical testing. Allele origin: germline. Observed: 8 variant alleles.
Comment: BA1, BS2, BP4

GeneDx
Classification: Benign. Last evaluated: 2018-07-09. Review status: criteria provided, single submitter. Criteria: GeneDx Variant Classification Process June 2021. Collection method: clinical testing. Allele origin: germline. Affected: yes.
Comment: This variant is associated with the following publications: (PMID: 28666341)

Illumina Laboratory Services, Illumina
Classification: Likely benign for Thyroid dyshormonogenesis 6. Last evaluated: 2018-01-13. Review status: criteria provided, single submitter. Criteria: ICSL Variant Classification Criteria 13 December 2019. Collection method: clinical testing. Allele origin: germline.
Comment: This variant was observed in the ICSL laboratory as part of a predisposition screen in an ostensibly healthy population. It had not been previously curated by ICSL or reported in the Human Gene Mutation Database (HGMD: prior to June 1st, 2018), and was therefore a candidate for classification through an automated scoring system. Utilizing variant allele frequency, disease prevalence and penetrance estimates, and inheritance mode, an automated score was calculated to assess if this variant is too frequent to cause the disease. Based on the score and internal cut-off values, a variant classified as likely benign is not then subjected to further curation. The score for this variant resulted in a classification of likely benign for this disease.

Breakthrough Genomics
Classification: Likely benign. Review status: criteria provided, single submitter. Criteria: ACMG Guidelines, 2015. Collection method: not provided. Allele origin: germline. Inheritance: Autosomal recessive inheritance. Affected: yes.

PreventionGenetics, part of Exact Sciences
Classification: Benign. Review status: criteria provided, single submitter. Criteria: ACMG Guidelines, 2015. Collection method: clinical testing. Allele origin: germline.

Literature cited by the submitters: PubMed 28666341 (cited by Mayo Clinic Laboratories, Mayo Clinic).